The following is an entry in ClinVar:

ClinVar aggregate classification (germline): Uncertain significance (1 of 4 stars; one submission).

Conditions:
Immunodeficiency, common variable, 10. Also called: IMMUNODEFICIENCY, COMMON VARIABLE, WITH CENTRAL ADRENAL INSUFFICIENCY; DEFICIT IN ANTERIOR PITUITARY FUNCTION AND VARIABLE IMMUNODEFICIENCY. Identifiers: MedGen C3809991, MONDO:0014260, OMIM 615577.

Allele frequency attached by ClinVar (database versions not stated): gnomAD exomes below 0.00001 and 0.00001; ExAC 0.00001; gnomAD 0.00001; TOPMed 0.00001.

Submission:

Labcorp Genetics (formerly Invitae), Labcorp
Classification: Uncertain significance for Immunodeficiency, common variable, 10. Last evaluated: 2024-08-28. Review status: criteria provided, single submitter. Criteria: Invitae Variant Classification Sherloc (09022015). Collection method: clinical testing. Allele origin: germline.
Comment: This sequence change replaces arginine, which is basic and polar, with glutamine, which is neutral and polar, at codon 635 of the NFKB2 protein (p.Arg635Gln). This variant is present in population databases (rs768349324, gnomAD 0.003%). This variant has not been reported in the literature in individuals affected with NFKB2-related conditions. ClinVar contains an entry for this variant (Variation ID: 962421). An algorithm developed to predict the effect of missense changes on protein structure and function (PolyPhen-2) suggests that this variant is likely to be disruptive. In summary, the available evidence is currently insufficient to determine the role of this variant in disease. Therefore, it has been classified as a Variant of Uncertain Significance.

NM_001322934.2(NFKB2):c.1904G>A (p.Arg635Gln)

Gene: NFKB2 (nuclear factor kappa B subunit 2; plus strand). Cytogenetic location: 10q24.32.
Variant type: single nucleotide variant.
Coding change: c.1904G>A on transcript NM_001322934.2 (MANE Select); coding-DNA position 1904, G replaced by A.
Protein change: p.Arg635Gln; replaces arginine 635 with glutamine.
Molecular consequence: missense variant.
Genome position (GRCh38, 1-based): chr10:102,400,760, G>A. VCF-style: chr10-102400760-G-A. GRCh37 (hg19) VCF-style: chr10-104160517-G-A.
Other names: c.1904G>A, p.Arg635Gln (NM_001077494.3, NM_001261403.3, NM_001288724.1 and 1 more transcripts); c.1778G>A, p.Arg593Gln (NM_001322935.1); short protein forms R593Q, R635Q.
Identifiers: ClinVar variation 962421 (VCV000962421.9), dbSNP rs768349324, ClinGen allele CA5664918.
Genomic context (GRCh38, chr10:102,400,760, plus strand): 5'-GCCTGGATCTGCTGGTGGACAGTGGGGCTGAAGTGGAGGCCACAGAGCGGCAGGGGGGAC[G>A]AACAGCCTTGCATCTAGCCACAGAGATGGAGGAGCTGGGGTTGGTCACCCATCTGGTCAC-3'
Protein context (NP_001309863.1, residues 625-645): EVEATERQGG[Arg635Gln]TALHLATEME